The following is an entry in ClinVar:

NM_006231.4(POLE):c.4138T>C (p.Ser1380Pro)

Gene: POLE (DNA polymerase epsilon, catalytic subunit; minus strand). Cytogenetic location: 12q24.33.
Variant type: single nucleotide variant.
Coding change: c.4138T>C on transcript NM_006231.4 (MANE Select); coding-DNA position 4138, T replaced by C.
Protein change: p.Ser1380Pro; replaces serine 1380 with proline.
Molecular consequence: missense variant.
Genome position (GRCh38, 1-based): chr12:132,648,940, A>G on the plus strand (T>C on the coding strand, the complement: POLE is on the minus strand). VCF-style: chr12-132648940-A-G. GRCh37 (hg19) VCF-style: chr12-133225526-A-G.
Other names: short protein forms S1380P.
Identifiers: ClinVar variation 4141134 (VCV004141134.1).

ClinVar aggregate classification (germline): Uncertain significance (1 of 4 stars; one submission).

Conditions:
Hereditary cancer-predisposing syndrome. Also called: Hereditary neoplastic syndrome; Neoplastic Syndromes, Hereditary; Tumor predisposition; Hereditary Cancer Syndrome. Identifiers: Orphanet 140162, MedGen C0027672, MeSH D009386, MONDO:0015356.

Submission:

Ambry Genetics
Classification: Uncertain significance for Hereditary cancer-predisposing syndrome. Last evaluated: 2025-06-24. Review status: criteria provided, single submitter. Criteria: Ambry Variant Classification Scheme 2023. Collection method: clinical testing. Allele origin: germline.
Comment: The p.S1380P variant (also known as c.4138T>C), located in coding exon 32 of the POLE gene, results from a T to C substitution at nucleotide position 4138. The serine at codon 1380 is replaced by proline, an amino acid with similar properties. This amino acid position is conserved. In addition, this alteration is predicted to be tolerated by in silico analysis. Based on the available evidence, the clinical significance of this variant remains unclear.